The following is an entry in ClinVar:

ClinVar aggregate classification (germline): Likely pathogenic (1 of 4 stars; one submission).

Conditions:
Hereditary spastic paraplegia 4. Also called: Spastic paraplegia 4, autosomal dominant; Spastic Paraplegia 4; Familial spastic paraplegia autosomal dominant 2. Identifiers: Orphanet 100985, MedGen C1866855, MONDO:0008438, OMIM 182601.

Submission:

Clinical Genetics Laboratory, Region Ostergotland
Classification: Likely pathogenic for Hereditary spastic paraplegia 4. Last evaluated: 2024-09-19. Review status: criteria provided, single submitter. Criteria: ACMG Guidelines, 2015. Collection method: clinical testing. Allele origin: germline. Affected: yes.
Comment: The variant is not found in population database (no frequency gnomAD v4.1.0). REVEL score for this missense variant is 0.819. The varant is in exon 11 in protein domain: P-loop containing nucleoside triphosphate hydrolase. There are no benign missense variants reported to ClinVar in exon 7-17 of SPAST. Based on this information, the following ACMG/AMP criteria were applied in classifying this variant: PM2, PP3moderate, PM1

Literature cited by the submitters: PubMed 30213879.

NM_014946.4(SPAST):c.1364A>G (p.His455Arg)

Gene: SPAST (spastin; plus strand). Cytogenetic location: 2p22.3.
Variant type: single nucleotide variant.
Coding change: c.1364A>G on transcript NM_014946.4 (MANE Select); coding-DNA position 1364, A replaced by G.
Protein change: p.His455Arg; replaces histidine 455 with arginine.
Molecular consequence: missense variant.
Genome position (GRCh38, 1-based): chr2:32,136,919, A>G. VCF-style: chr2-32136919-A-G. GRCh37 (hg19) VCF-style: chr2-32361988-A-G.
Other names: c.1361A>G, p.His454Arg (NM_001363823.2); c.1265A>G, p.His422Arg (NM_001363875.2); c.1268A>G, p.His423Arg (NM_001377959.1, NM_199436.2); short protein forms H422R, H423R, H454R, H455R.
Identifiers: ClinVar variation 4077158 (VCV004077158.2).